The following is an entry in ClinVar:

NM_032119.4(ADGRV1):c.5776C>T (p.Gln1926Ter)

Gene: ADGRV1 (adhesion G protein-coupled receptor V1; plus strand). Cytogenetic location: 5q14.3.
Variant type: single nucleotide variant.
Coding change: c.5776C>T on transcript NM_032119.4 (MANE Select); coding-DNA position 5776, C replaced by T.
Protein change: p.Gln1926Ter; replaces glutamine 1926 with a stop codon.
Molecular consequence: nonsense. On other transcripts: non-coding transcript variant (1).
Genome position (GRCh38, 1-based): chr5:90,683,697, C>T. VCF-style: chr5-90683697-C-T. GRCh37 (hg19) VCF-style: chr5-89979514-C-T.
Other names: short protein forms Q1926*.
Identifiers: ClinVar variation 839595 (VCV000839595.7), dbSNP rs1449286135, ClinGen allele CA360413361.
Genomic context (GRCh38, chr5:90,683,697, plus strand): 5'-GACTCTGATCCTGATGGTGATCTCGCCTTCACCTCTGGCAACATCACATTTGAGATTGGG[C>T]AGACGAGCGCCAATATCACTGTGGAGATATTGCCTGACGAAGACCCAGAACTGGATAAGG-3'

ClinVar aggregate classification (germline): Pathogenic (1 of 4 stars; one submission).

Submission:

Labcorp Genetics (formerly Invitae), Labcorp
Classification: Pathogenic. Last evaluated: 2021-07-08. Review status: criteria provided, single submitter. Criteria: Invitae Variant Classification Sherloc (09022015). Collection method: clinical testing. Allele origin: germline.
Comment: This sequence change creates a premature translational stop signal (p.Gln1926*) in the ADGRV1 gene. It is expected to result in an absent or disrupted protein product. This variant is not present in population databases (ExAC no frequency). This variant has not been reported in the literature in individuals with ADGRV1-related conditions. Loss-of-function variants in ADGRV1 are known to be pathogenic (PMID: 19357117, 22135276, 22147658). For these reasons, this variant has been classified as Pathogenic.

Literature cited by the submitters: PubMed 19357117; PubMed 22135276; PubMed 22147658.